The following is an entry in ClinVar:

ClinVar aggregate classification (germline): Benign. Review status: criteria provided, multiple submitters, no conflicts (2 of 4 stars). 3 submissions from 3 submitters: Benign (2). 1 of the submissions does not count toward it. Last evaluated 2018-02-16.

Conditions:
TP53BP2-related disorder. Also called: TP53BP2-related condition.

Allele frequency attached by ClinVar (database versions not stated): gnomAD exomes 0.00160; ExAC 0.00187; gnomAD 0.00646 and 0.00696; TOPMed 0.00689; 1000 Genomes Project 0.00719; ESP Exome Variant Server 0.00730; 1000 Genomes Project 30x 0.00750.
gnomAD v4.1: 1,879 of 1,614,132 alleles (0.12%); highest among the groups gnomAD compares: African/African-American, 2.2%; 18 homozygotes.

Submissions (3):

Labcorp Genetics (formerly Invitae), Labcorp
Classification: Benign. Last evaluated: 2018-02-16. Review status: criteria provided, single submitter. Criteria: Invitae Variant Classification Sherloc (09022015). Collection method: clinical testing. Allele origin: germline.

Breakthrough Genomics
Classification: Benign. Review status: criteria provided, single submitter. Criteria: ACMG Guidelines, 2015. Collection method: not provided. Allele origin: germline. Inheritance: Unknown mechanism. Affected: yes.

PreventionGenetics, part of Exact Sciences
Classification: Benign for TP53BP2-related condition. Last evaluated: 2019-09-13. Review status: no assertion criteria provided. Collection method: clinical testing. Allele origin: germline. Not counted in ClinVar's aggregate classification.
Comment: This variant is classified as benign based on ACMG/AMP sequence variant interpretation guidelines (Richards et al. 2015 PMID: 25741868, with internal and published modifications).

NM_001031685.3(TP53BP2):c.3003A>G (p.Pro1001=)

Gene: TP53BP2 (tumor protein p53 binding protein 2; minus strand). Cytogenetic location: 1q41.
Variant type: single nucleotide variant.
Coding change: c.3003A>G on transcript NM_001031685.3 (MANE Select); coding-DNA position 3003, A replaced by G.
Protein change: p.Pro1001=; no amino-acid change (proline 1001 retained).
Molecular consequence: synonymous variant.
Genome position (GRCh38, 1-based): chr1:223,789,168, T>C on the plus strand (A>G on the coding strand, the complement: TP53BP2 is on the minus strand). VCF-style: chr1-223789168-T-C. GRCh37 (hg19) VCF-style: chr1-223976870-T-C.
Other names: c.2616A>G, p.Pro872= (NM_005426.3).
Identifiers: ClinVar variation 724322 (VCV000724322.6), dbSNP rs61758080, ClinGen allele CA1412492.